The following is an entry in ClinVar:

ClinVar aggregate classification (germline): Uncertain significance (1 of 4 stars; one submission).

Allele frequency attached by ClinVar (database versions not stated): ExAC 0.00001; ESP Exome Variant Server 0.00008.

Submission:

Labcorp Genetics (formerly Invitae), Labcorp
Classification: Uncertain significance. Last evaluated: 2021-11-30. Review status: criteria provided, single submitter. Criteria: Invitae Variant Classification Sherloc (09022015). Collection method: clinical testing. Allele origin: germline.
Comment: This sequence change replaces alanine, which is neutral and non-polar, with glutamic acid, which is acidic and polar, at codon 1324 of the ABCA4 protein (p.Ala1324Glu). This variant is present in population databases (rs369361520, gnomAD 0.007%). This variant has not been reported in the literature in individuals affected with ABCA4-related conditions. Advanced modeling of protein sequence and biophysical properties (such as structural, functional, and spatial information, amino acid conservation, physicochemical variation, residue mobility, and thermodynamic stability) performed at Invitae indicates that this missense variant is not expected to disrupt ABCA4 protein function. In summary, the available evidence is currently insufficient to determine the role of this variant in disease. Therefore, it has been classified as a Variant of Uncertain Significance.

NM_000350.3(ABCA4):c.3971C>A (p.Ala1324Glu)

Gene: ABCA4 (ATP binding cassette subfamily A member 4; minus strand). Cytogenetic location: 1p22.1.
Variant type: single nucleotide variant.
Coding change: c.3971C>A on transcript NM_000350.3 (MANE Select); coding-DNA position 3971, C replaced by A.
Protein change: p.Ala1324Glu; replaces alanine 1324 with glutamic acid.
Molecular consequence: missense variant.
Genome position (GRCh38, 1-based): chr1:94,031,935, G>T on the plus strand (C>A on the coding strand, the complement: ABCA4 is on the minus strand). VCF-style: chr1-94031935-G-T. GRCh37 (hg19) VCF-style: chr1-94497491-G-T.
Other names: c.3749C>A, p.Ala1250Glu (NM_001425324.1); short protein forms A1324E, A1250E.
Identifiers: ClinVar variation 1396249 (VCV001396249.3), dbSNP rs369361520, ClinGen allele CA957758.
Genomic context (GRCh38, chr1:94,031,935, plus strand): 5'-AGCTGCGGGCCTGGGCACTCTGGCTCTGGGGGAGGCTGGCCCTCTGGGTGAGCAGCCGGC[G>T]CCCCTGGGGAGCAGACATTGGAGTCCTGGGGTGTCTGTCCAGCCTTCTCTCTGGGACCCA-3'
Protein context (NP_000341.2, residues 1314-1334): PQDSNVCSPG[Ala1324Glu]PAAHPEGQPP